The following is an entry in ClinVar:

ClinVar aggregate classification (germline): Uncertain significance (1 of 4 stars; one submission).

Submission:

Ambry Genetics
Classification: Uncertain significance. Last evaluated: 2021-06-20. Review status: criteria provided, single submitter. Criteria: Ambry Variant Classification Scheme 2023. Collection method: clinical testing. Allele origin: germline.
Comment: The p.D195E variant (also known as c.585C>G), located in coding exon 1 of the EGLN2 gene, results from a C to G substitution at nucleotide position 585. The aspartic acid at codon 195 is replaced by glutamic acid, an amino acid with highly similar properties. This amino acid position is conserved. In addition, this alteration is predicted to be tolerated by in silico analysis. Since supporting evidence is limited at this time, the clinical significance of this alteration remains unclear.

NM_080732.4(EGLN2):c.585C>G (p.Asp195Glu)

Genes: EGLN2 (egl-9 family hypoxia inducible factor 2; plus strand), RAB4B-EGLN2 (RAB4B-EGLN2 readthrough (NMD candidate); plus strand). Cytogenetic location: 19q13.2.
Variant type: single nucleotide variant.
Coding change: c.585C>G on transcript NM_080732.4 (MANE Select); coding-DNA position 585, C replaced by G.
Protein change: p.Asp195Glu; replaces aspartic acid 195 with glutamic acid.
Molecular consequence: missense variant. On other transcripts: non-coding transcript variant (1).
Genome position (GRCh38, 1-based): chr19:40,801,157, C>G. VCF-style: chr19-40801157-C-G. GRCh37 (hg19) VCF-style: chr19-41307062-C-G.
Other names: c.585C>G, p.Asp195Glu (NM_053046.4); short protein forms D195E.
Identifiers: ClinVar variation 1750115 (VCV001750115.2), dbSNP rs2515994760, ClinGen allele CA405955569.